The following is an entry in ClinVar:

NM_018896.5(CACNA1G):c.3200G>A (p.Arg1067His)

Gene: CACNA1G (calcium voltage-gated channel subunit alpha1 G; plus strand). Cytogenetic location: 17q21.33.
Variant type: single nucleotide variant.
Coding change: c.3200G>A on transcript NM_018896.5 (MANE Select); coding-DNA position 3200, G replaced by A.
Protein change: p.Arg1067His; replaces arginine 1067 with histidine.
Molecular consequence: missense variant. On other transcripts: non-coding transcript variant (5).
Genome position (GRCh38, 1-based): chr17:50,596,865, G>A. VCF-style: chr17-50596865-G-A. GRCh37 (hg19) VCF-style: chr17-48674226-G-A.
Other names: c.3200G>A, p.Arg1067His (NM_001256324.2, NM_001256325.2, NM_001256326.2 and 16 more transcripts); c.3131G>A, p.Arg1044His (NM_001256332.2, NM_198376.3, NM_198379.3 and 5 more transcripts); short protein forms R1044H, R1067H.
Identifiers: ClinVar variation 915415 (VCV000915415.6), dbSNP rs369751310, ClinGen allele CA8652662.
Genomic context (GRCh38, chr17:50,596,865, plus strand): 5'-CCATGTCGCTGCCCAAGAGCACCAGCACGGGCCTGGGCGAGGCGCTGGGCCCTGCGTCGC[G>A]CCGCACCAGCAGCAGCGGGTCGGCAGAGCCTGGGGCGGCCCACGAGATGAAGTCACCGGT-3'
Protein context (NP_061496.2, residues 1057-1077): GLGEALGPAS[Arg1067His]RTSSSGSAEP

ClinVar aggregate classification (germline): Conflicting classifications of pathogenicity. Review status: criteria provided, conflicting classifications (1 of 4 stars). 2 submissions from 2 submitters: Uncertain significance (1); Benign (1). Last evaluated 2023-04-12.

Allele frequency attached by ClinVar (database versions not stated): TOPMed 0.00001; gnomAD 0.00002; gnomAD exomes 0.00002; ExAC 0.00004; ESP Exome Variant Server 0.00008.
gnomAD v4.1: 15 of 1,594,296 alleles (0.00094%); highest among the groups gnomAD compares: South Asian, 0.0056%; no homozygotes.

Submissions (2):

Labcorp Genetics (formerly Invitae), Labcorp
Classification: Uncertain significance. Last evaluated: 2023-04-12. Review status: criteria provided, single submitter. Criteria: Invitae Variant Classification Sherloc (09022015). Collection method: clinical testing. Allele origin: germline.
Comment: In summary, the available evidence is currently insufficient to determine the role of this variant in disease. Therefore, it has been classified as a Variant of Uncertain Significance. Advanced modeling of protein sequence and biophysical properties (such as structural, functional, and spatial information, amino acid conservation, physicochemical variation, residue mobility, and thermodynamic stability) has been performed at Invitae for this missense variant, however the output from this modeling did not meet the statistical confidence thresholds required to predict the impact of this variant on CACNA1G protein function. ClinVar contains an entry for this variant (Variation ID: 915415). This variant has not been reported in the literature in individuals affected with CACNA1G-related conditions. The frequency data for this variant in the population databases is considered unreliable, as metrics indicate poor data quality at this position in the gnomAD database. This sequence change replaces arginine, which is basic and polar, with histidine, which is basic and polar, at codon 1067 of the CACNA1G protein (p.Arg1067His).

Genomic Research Center, Shahid Beheshti University of Medical Sciences
Classification: Benign. Last evaluated: 2020-05-03. Review status: criteria provided, single submitter. Criteria: ACMG Guidelines, 2015. Collection method: clinical testing. Allele origin: unknown. Affected: yes.